The following is an entry in ClinVar:

ClinVar aggregate classification (germline): Uncertain significance (1 of 4 stars; one submission).

Conditions:
Lafora disease. Also called: Epilepsy progressive myoclonic 2; Progressive Myoclonus Epilepsy, Lafora Type. Identifiers: Orphanet 501, MedGen C0751783, MONDO:0009697.

Allele frequency attached by ClinVar (database versions not stated): gnomAD 0.00001; TOPMed 0.00001; ESP Exome Variant Server 0.00008.
gnomAD v4.1: 2 of 1,614,074 alleles (0.00012%); highest among the groups gnomAD compares: African/African-American, 0.0027%; no homozygotes.

Submission:

Labcorp Genetics (formerly Invitae), Labcorp
Classification: Uncertain significance for Lafora disease. Last evaluated: 2022-06-26. Review status: criteria provided, single submitter. Criteria: Invitae Variant Classification Sherloc (09022015). Collection method: clinical testing. Allele origin: germline.
Comment: In summary, the available evidence is currently insufficient to determine the role of this variant in disease. Therefore, it has been classified as a Variant of Uncertain Significance. Algorithms developed to predict the effect of missense changes on protein structure and function output the following: SIFT: "Deleterious"; PolyPhen-2: "Benign"; Align-GVGD: "Class C35". The aspartic acid amino acid residue is found in multiple mammalian species, which suggests that this missense change does not adversely affect protein function. ClinVar contains an entry for this variant (Variation ID: 531813). This variant has not been reported in the literature in individuals affected with NHLRC1-related conditions. This variant is not present in population databases (gnomAD no frequency). This sequence change replaces glutamic acid, which is acidic and polar, with aspartic acid, which is acidic and polar, at codon 351 of the NHLRC1 protein (p.Glu351Asp).

NM_198586.3(NHLRC1):c.1053G>C (p.Glu351Asp)

Gene: NHLRC1 (NHL repeat containing E3 ubiquitin protein ligase 1; minus strand). Cytogenetic location: 6p22.3.
Variant type: single nucleotide variant.
Coding change: c.1053G>C on transcript NM_198586.3 (MANE Select); coding-DNA position 1053, G replaced by C.
Protein change: p.Glu351Asp; replaces glutamic acid 351 with aspartic acid.
Molecular consequence: missense variant.
Genome position (GRCh38, 1-based): chr6:18,121,554, C>G on the plus strand (G>C on the coding strand, the complement: NHLRC1 is on the minus strand). VCF-style: chr6-18121554-C-G. GRCh37 (hg19) VCF-style: chr6-18121785-C-G.
Other names: short protein forms E351D.
Identifiers: ClinVar variation 531813 (VCV000531813.11), dbSNP rs377395116, ClinGen allele CA134959779.